The following is an entry in ClinVar:

NM_003998.4(NFKB1):c.407G>C (p.Gly136Ala)

Gene: NFKB1 (nuclear factor kappa B subunit 1; plus strand). Cytogenetic location: 4q24.
Variant type: single nucleotide variant.
Coding change: c.407G>C on transcript NM_003998.4 (MANE Select); coding-DNA position 407, G replaced by C.
Protein change: p.Gly136Ala; replaces glycine 136 with alanine.
Molecular consequence: missense variant.
Genome position (GRCh38, 1-based): chr4:102,567,135, G>C. VCF-style: chr4-102567135-G-C. GRCh37 (hg19) VCF-style: chr4-103488292-G-C.
Other names: c.404G>C, p.Gly135Ala (NM_001165412.2, NM_001319226.2, NM_001382627.1); c.407G>C, p.Gly136Ala (NM_001382625.1, NM_001382626.1); c.365G>C, p.Gly122Ala (NM_001382628.1); short protein forms G122A, G135A, G136A.
Identifiers: ClinVar variation 1910803 (VCV001910803.5), dbSNP rs761899477, ClinGen allele CA3025874.

ClinVar aggregate classification (germline): Uncertain significance (1 of 4 stars; one submission).

Allele frequency attached by ClinVar (database versions not stated): ExAC 0.00003.
gnomAD v4.1: 24 of 1,613,176 alleles (0.0015%); highest among the groups gnomAD compares: Admixed American, 0.037%; no homozygotes.

Submission:

Labcorp Genetics (formerly Invitae), Labcorp
Classification: Uncertain significance. Last evaluated: 2025-09-30. Review status: criteria provided, single submitter. Criteria: Invitae Variant Classification Sherloc (09022015). Collection method: clinical testing. Allele origin: germline.
Comment: This sequence change replaces glycine, which is neutral and non-polar, with alanine, which is neutral and non-polar, at codon 136 of the NFKB1 protein (p.Gly136Ala). This variant also falls at the last nucleotide of exon 6, which is part of the consensus splice site for this exon. This variant is present in population databases (rs761899477, gnomAD 0.05%), and has an allele count higher than expected for a pathogenic variant. This variant has not been reported in the literature in individuals affected with NFKB1-related conditions. ClinVar contains an entry for this variant (Variation ID: 1910803). An algorithm developed to predict the effect of missense changes on protein structure and function (PolyPhen-2) suggests that this variant is likely to be tolerated. Variants that disrupt the consensus splice site are a relatively common cause of aberrant splicing (PMID: 17576681, 9536098). In summary, the available evidence is currently insufficient to determine the role of this variant in disease. Therefore, it has been classified as a Variant of Uncertain Significance.

Literature cited by the submitters: PubMed 17576681; PubMed 9536098.